The following is an entry in ClinVar:

NM_001009944.3(PKD1):c.109del (p.Cys37fs)

Gene: PKD1 (polycystin 1, transient receptor potential channel interacting; minus strand). Cytogenetic location: 16p13.3.
Variant type: Deletion.
Coding change: c.109del on transcript NM_001009944.3 (MANE Select); coding-DNA position 109, one base deleted (T; older notation c.109delT).
Protein change: p.Cys37fs; shifts the reading frame from cysteine 37.
Molecular consequence: frameshift variant.
Genome position (GRCh38, 1-based): chr16:2,135,581, A deleted on the plus strand (T on the coding strand, the reverse complement: PKD1 is on the minus strand). VCF-style (leftmost placement, unchanged base first): chr16-2135580-CA-C. GRCh37 (hg19) VCF-style: chr16-2185581-CA-C.
Other names: c.109del (NM_000296.3); c.109del, p.Cys37fs (NM_000296.4); short protein forms C37fs.
Identifiers: ClinVar variation 1255663 (VCV001255663.31), dbSNP rs2151858299, ClinGen allele CA2499223394.

ClinVar aggregate classification (germline): Pathogenic. Review status: criteria provided, multiple submitters, no conflicts (2 of 4 stars). 4 submissions from 4 submitters: Pathogenic (3). 1 of the submissions does not count toward it. Last evaluated 2024-10-30.

Conditions:
Polycystic kidney disease, adult type (PKD1). Also called: POLYCYSTIC KIDNEY DISEASE 1 WITH OR WITHOUT POLYCYSTIC LIVER DISEASE; Polycystic Kidney Disease 1, Autosomal Dominant; Polycystic kidney disease 1; Polycystic kidney disease 1, severe; POLYCYSTIC KIDNEY DISEASE, ADULT, TYPE I; Polycystic Kidney, Autosomal Dominant. Identifiers: MedGen C3149841, MONDO:0008263, OMIM 173900.
Autosomal dominant polycystic kidney disease. Identifiers: Orphanet 730, MedGen C0085413, MONDO:0004691.

Submissions (4):

Institute of Human Genetics, University of Leipzig Medical Center
Classification: Pathogenic for Polycystic kidney disease, adult type. Last evaluated: 2024-10-30. Review status: criteria provided, single submitter. Criteria: ACMG Guidelines, 2015. Collection method: clinical testing. Allele origin: unknown. Inheritance: Autosomal dominant inheritance. Affected: yes.
Comment: Criteria applied: PVS1,PS4_MOD,PM2

Fulgent Genetics
Classification: Pathogenic for Polycystic kidney disease, adult type. Last evaluated: 2024-05-17. Review status: criteria provided, single submitter. Criteria: ACMG Guidelines, 2015. Collection method: clinical testing. Allele origin: germline.

Athena Diagnostics
Classification: Pathogenic. Last evaluated: 2021-04-13. Review status: criteria provided, single submitter. Criteria: Athena Diagnostics criteria. Collection method: clinical testing. Allele origin: unknown.
Comment: This variant is expected to result in the loss of a functional protein. This variant has not been reported in large, multi-ethnic general populations. This variant has been identified in at least one individual with clinical features associated with this gene.

Laboratory of Gastroenterology and Hepatology, Radboud University Medical Center
Classification: Pathogenic for Autosomal dominant polycystic kidney disease. Last evaluated: 2021-09-01. Review status: no assertion criteria provided. Collection method: research. Allele origin: germline. Affected: yes. Not counted in ClinVar's aggregate classification.

Literature cited by the submitters: PubMed 22508176 (cited by Athena Diagnostics).